The following is an entry in ClinVar:

NM_000487.6(ARSA):c.394C>T (p.Pro132Ser)

Gene: ARSA (arylsulfatase A; minus strand). Cytogenetic location: 22q13.33.
Variant type: single nucleotide variant.
Coding change: c.394C>T on transcript NM_000487.6 (MANE Select); coding-DNA position 394, C replaced by T.
Protein change: p.Pro132Ser; replaces proline 132 with serine.
Molecular consequence: missense variant.
Genome position (GRCh38, 1-based): chr22:50,627,237, G>A on the plus strand (C>T on the coding strand, the complement: ARSA is on the minus strand). VCF-style: chr22-50627237-G-A. GRCh37 (hg19) VCF-style: chr22-51065665-G-A.
Other names: c.394C>T, p.Pro132Ser (NM_001085425.3, NM_001085426.3, NM_001085427.3); c.136C>T, p.Pro46Ser (NM_001085428.3, NM_001362782.2); short protein forms P46S, P132S.
Identifiers: ClinVar variation 2127001 (VCV002127001.1), dbSNP rs2082688930, ClinGen allele CA412180561.
Genomic context (GRCh38, chr22:50,627,237, plus strand): 5'-AGTACGGGATGCCTAGAAATCGATGGAAGCCCTGATGGGGGGGCAGGAAGGCCCCCTCAG[G>A]CCCCACCCCAAGGTGCCACTTGCCGGCCATTCCTGTGAGGTAGCCTCGGGCAGCCAGGAC-3'
Protein context (NP_000478.3, residues 122-142): MAGKWHLGVG[Pro132Ser]EGAFLPPHQG

ClinVar aggregate classification (germline): Uncertain significance (1 of 4 stars; one submission).

Conditions:
Metachromatic leukodystrophy (MLD). Also called: ARSA DEFICIENCY; CEREBROSIDE SULFATASE DEFICIENCY; Cerebral sclerosis diffuse metachromatic form; Arylsulfatase A Deficiency; METACHROMATIC LEUKOENCEPHALOPATHY; SULFATIDE LIPIDOSIS. Identifiers: Orphanet 512, MedGen C0023522, MONDO:0018868, OMIM 250100.

Submission:

Labcorp Genetics (formerly Invitae), Labcorp
Classification: Uncertain significance for Metachromatic leukodystrophy. Last evaluated: 2022-08-23. Review status: criteria provided, single submitter. Criteria: Invitae Variant Classification Sherloc (09022015). Collection method: clinical testing. Allele origin: germline.
Comment: This sequence change replaces proline, which is neutral and non-polar, with serine, which is neutral and polar, at codon 132 of the ARSA protein (p.Pro132Ser). This variant is not present in population databases (gnomAD no frequency). This variant has not been reported in the literature in individuals affected with ARSA-related conditions. Algorithms developed to predict the effect of missense changes on protein structure and function output the following: SIFT: "Tolerated"; PolyPhen-2: "Benign"; Align-GVGD: "Class C0". The serine amino acid residue is found in multiple mammalian species, which suggests that this missense change does not adversely affect protein function. In summary, the available evidence is currently insufficient to determine the role of this variant in disease. Therefore, it has been classified as a Variant of Uncertain Significance.